The following is an entry in ClinVar:

NM_020751.3(COG6):c.1167-23C>T

Gene: COG6 (component of oligomeric golgi complex 6; plus strand). Cytogenetic location: 13q14.11.
Variant type: single nucleotide variant.
Coding change: c.1167-23C>T on transcript NM_020751.3 (MANE Select); 23 bases into the intron before coding-DNA position 1167, C replaced by T.
Molecular consequence: intron variant.
Genome position (GRCh38, 1-based): chr13:39,699,478, C>T. VCF-style: chr13-39699478-C-T. GRCh37 (hg19) VCF-style: chr13-40273615-C-T.
Other names: c.1167-23C>T (NM_001145079.2).
Identifiers: ClinVar variation 3356269 (VCV003356269.1).

ClinVar aggregate classification (germline): Likely benign (0 of 4 stars; one submission).

Conditions:
COG6-related disorder.

gnomAD v4.1: 7 of 1,153,436 alleles (0.00061%); highest among the groups gnomAD compares: African/African-American, 0.0061%; no homozygotes.

Submission:

PreventionGenetics, part of Exact Sciences
Classification: Likely benign for COG6-related condition. Last evaluated: 2024-03-26. Review status: no assertion criteria provided. Collection method: clinical testing. Allele origin: germline.
Comment: This variant is classified as likely benign based on ACMG/AMP sequence variant interpretation guidelines (Richards et al. 2015 PMID: 25741868, with internal and published modifications).